The following is an entry in ClinVar:

NM_015202.5(KATNIP):c.3681G>A (p.Gly1227=)

Gene: KATNIP (katanin interacting protein; plus strand). Cytogenetic location: 16p12.1.
Variant type: single nucleotide variant.
Coding change: c.3681G>A on transcript NM_015202.5 (MANE Select); coding-DNA position 3681, G replaced by A.
Protein change: p.Gly1227=; no amino-acid change (glycine 1227 retained).
Molecular consequence: synonymous variant.
Genome position (GRCh38, 1-based): chr16:27,761,462, G>A. VCF-style: chr16-27761462-G-A. GRCh37 (hg19) VCF-style: chr16-27772783-G-A.
Identifiers: ClinVar variation 4534639 (VCV004534639.7).
Genomic context (GRCh38, chr16:27,761,462, plus strand): 5'-TCCTGTTGCAGGCCTTCAGCTGAATTTCACTGCCTCCTGGGGAGACTTGCACTACCTGGG[G>A]CTCACTGGCCTGGAAGTGGTGGGCAAGGAGGGCCAGGCGCTGCCCATCCACCTGCACCAG-3'
Protein context (NP_056017.4, residues 1217-1237): TASWGDLHYL[Gly1227=]LTGLEVVGKE

ClinVar aggregate classification (germline): Likely benign. Review status: criteria provided, multiple submitters, no conflicts (2 of 4 stars). 2 submissions from 2 submitters: Likely benign (2). Last evaluated 2025-11-01.

Submissions (2):

CeGaT Center for Human Genetics Tuebingen
Classification: Likely benign. Last evaluated: 2025-11-01. Review status: criteria provided, single submitter. Criteria: CeGaT Center For Human Genetics Tuebingen Variant Classification Criteria Version 2. Collection method: clinical testing. Allele origin: germline. Affected: yes. Observed: 1 variant allele.
Comment: KATNIP: BP4, BP7

Blueprint Genetics
Classification: Likely benign. Last evaluated: 2019-10-09. Review status: criteria provided, single submitter. Criteria: ACMG Guidelines, 2015. Collection method: clinical testing. Allele origin: germline.